The following is an entry in ClinVar:

ClinVar aggregate classification (germline): Uncertain significance (1 of 4 stars; one submission).

Allele frequency attached by ClinVar (database versions not stated): gnomAD exomes below 0.00001.
gnomAD v4.1: 1 of 1,614,188 alleles (0.000062%); highest among the groups gnomAD compares: South Asian, 0.0011%; no homozygotes.

Submission:

Labcorp Genetics (formerly Invitae), Labcorp
Classification: Uncertain significance. Last evaluated: 2022-03-31. Review status: criteria provided, single submitter. Criteria: Invitae Variant Classification Sherloc (09022015). Collection method: clinical testing. Allele origin: germline.
Comment: This sequence change replaces glutamine, which is neutral and polar, with histidine, which is basic and polar, at codon 775 of the FNIP1 protein (p.Gln775His). This variant is not present in population databases (gnomAD no frequency). In summary, the available evidence is currently insufficient to determine the role of this variant in disease. Therefore, it has been classified as a Variant of Uncertain Significance. Algorithms developed to predict the effect of missense changes on protein structure and function are either unavailable or do not agree on the potential impact of this missense change (SIFT: "Tolerated"; PolyPhen-2: "Probably Damaging"; Align-GVGD: "Class C0"). This variant has not been reported in the literature in individuals affected with FNIP1-related conditions.

NM_133372.3(FNIP1):c.2325G>C (p.Gln775His)

Gene: FNIP1 (folliculin interacting protein 1; minus strand). Cytogenetic location: 5q31.1.
Variant type: single nucleotide variant.
Coding change: c.2325G>C on transcript NM_133372.3 (MANE Select); coding-DNA position 2325, G replaced by C.
Protein change: p.Gln775His; replaces glutamine 775 with histidine.
Molecular consequence: missense variant.
Genome position (GRCh38, 1-based): chr5:131,672,119, C>G on the plus strand (G>C on the coding strand, the complement: FNIP1 is on the minus strand). VCF-style: chr5-131672119-C-G. GRCh37 (hg19) VCF-style: chr5-131007812-C-G.
Other names: c.2241G>C, p.Gln747His (NM_001008738.3); c.2190G>C, p.Gln730His (NM_001346114.2); short protein forms Q775H, Q747H, Q730H.
Identifiers: ClinVar variation 2120017 (VCV002120017.4), dbSNP rs2532126924, ClinGen allele CA360790410.